The following is an entry in ClinVar:

NM_001174089.2(SLC4A11):c.2256C>T (p.Ser752=)

Gene: SLC4A11 (solute carrier family 4 member 11; minus strand). Cytogenetic location: 20p13.
Variant type: single nucleotide variant.
Coding change: c.2256C>T on transcript NM_001174089.2 (MANE Select); coding-DNA position 2256, C replaced by T.
Protein change: p.Ser752=; no amino-acid change (serine 752 retained).
Molecular consequence: synonymous variant. On other transcripts: non-coding transcript variant (3).
Genome position (GRCh38, 1-based): chr20:3,228,644, G>A on the plus strand (C>T on the coding strand, the complement: SLC4A11 is on the minus strand). VCF-style: chr20-3228644-G-A. GRCh37 (hg19) VCF-style: chr20-3209290-G-A.
Other names: c.2385C>T, p.Ser795= (NM_001174090.2); c.2142C>T, p.Ser714= (NM_001363745.2); c.2199C>T, p.Ser733= (NM_001400277.1, NM_001400278.1, NM_001400279.1); c.2271C>T, p.Ser757= (NM_001400280.1); c.2304C>T, p.Ser768= (NM_032034.4).
Identifiers: ClinVar variation 2745961 (VCV002745961.17), dbSNP rs2514518538, ClinGen allele CA509558374.

ClinVar aggregate classification (germline): Likely benign. Review status: criteria provided, multiple submitters, no conflicts (2 of 4 stars). 2 submissions from 2 submitters: Likely benign (2). Last evaluated 2024-11-01.

Allele frequency attached by ClinVar (database versions not stated): gnomAD exomes below 0.00001.
gnomAD v4.1: 4 of 1,613,088 alleles (0.00025%); highest among the groups gnomAD compares: Non-Finnish European, 0.00017%; no homozygotes.

Submissions (2):

CeGaT Center for Human Genetics Tuebingen
Classification: Likely benign. Last evaluated: 2024-11-01. Review status: criteria provided, single submitter. Criteria: CeGaT Center For Human Genetics Tuebingen Variant Classification Criteria Version 2. Collection method: clinical testing. Allele origin: germline. Affected: yes. Observed: 1 variant allele.
Comment: SLC4A11: BP4, BP7

Labcorp Genetics (formerly Invitae), Labcorp
Classification: Likely benign. Last evaluated: 2023-10-18. Review status: criteria provided, single submitter. Criteria: Invitae Variant Classification Sherloc (09022015). Collection method: clinical testing. Allele origin: germline.